The following is an entry in ClinVar:

ClinVar aggregate classification (germline): Uncertain significance (1 of 4 stars; one submission).

gnomAD v4.1: 2 of 1,609,990 alleles (0.00012%); highest among the groups gnomAD compares: Middle Eastern, 0.017%; no homozygotes.

Submission:

CeGaT Center for Human Genetics Tuebingen
Classification: Uncertain significance. Last evaluated: 2025-10-01. Review status: criteria provided, single submitter. Criteria: CeGaT Center For Human Genetics Tuebingen Variant Classification Criteria Version 2. Collection method: clinical testing. Allele origin: germline. Affected: yes. Observed: 5 variant alleles.
Comment: INTS11: PM2, PM3:Supporting, PP3

NM_017871.6(INTS11):c.702G>A (p.Lys234=)

Gene: INTS11 (integrator complex subunit 11; minus strand). Cytogenetic location: 1p36.33.
Variant type: single nucleotide variant.
Coding change: c.702G>A on transcript NM_017871.6 (MANE Select); coding-DNA position 702, G replaced by A.
Protein change: p.Lys234=; no amino-acid change (lysine 234 retained).
Molecular consequence: synonymous variant.
Genome position (GRCh38, 1-based): chr1:1,314,824, C>T on the plus strand (G>A on the coding strand, the complement: INTS11 is on the minus strand). VCF-style: chr1-1314824-C-T. GRCh37 (hg19) VCF-style: chr1-1250204-C-T.
Other names: c.720G>A, p.Lys240= (NM_001256456.2); c.615G>A, p.Lys205= (NM_001256460.2); c.408G>A, p.Lys136= (NM_001256462.2); c.399G>A, p.Lys133= (NM_001256463.2).
Identifiers: ClinVar variation 4085415 (VCV004085415.8).